The following is an entry in ClinVar:

NM_002361.4(MAG):c.1666G>A (p.Val556Ile)

Gene: MAG (myelin associated glycoprotein; plus strand). Cytogenetic location: 19q13.12.
Variant type: single nucleotide variant.
Coding change: c.1666G>A on transcript NM_002361.4 (MANE Select); coding-DNA position 1666, G replaced by A.
Protein change: p.Val556Ile; replaces valine 556 with isoleucine.
Molecular consequence: missense variant.
Genome position (GRCh38, 1-based): chr19:35,311,967, G>A. VCF-style: chr19-35311967-G-A. GRCh37 (hg19) VCF-style: chr19-35802870-G-A.
Other names: c.1591G>A, p.Val531Ile (NM_001199216.2); c.1666G>A, p.Val556Ile (NM_080600.3); short protein forms V531I, V556I.
Identifiers: ClinVar variation 808513 (VCV000808513.47), dbSNP rs201689297, ClinGen allele CA9376356.

ClinVar aggregate classification (germline): Uncertain significance. Review status: criteria provided, multiple submitters, no conflicts (2 of 4 stars). 3 submissions from 3 submitters: Uncertain significance (3). Last evaluated 2025-12-14.

Conditions:
Hereditary spastic paraplegia 75. Also called: Spastic paraplegia 75, autosomal recessive. Identifiers: Orphanet 459056, MedGen C4225250, MONDO:0014729, OMIM 616680.

Allele frequency attached by ClinVar (database versions not stated): gnomAD exomes 0.00005 and 0.00010; gnomAD 0.00006; TOPMed 0.00006; ExAC 0.00007; ESP Exome Variant Server 0.00015.
gnomAD v4.1: 160 of 1,613,350 alleles (0.0099%); highest among the groups gnomAD compares: Non-Finnish European, 0.013%; no homozygotes.

Submissions (3):

Labcorp Genetics (formerly Invitae), Labcorp
Classification: Uncertain significance for Hereditary spastic paraplegia 75. Last evaluated: 2025-12-14. Review status: criteria provided, single submitter. Criteria: Invitae Variant Classification Sherloc (09022015). Collection method: clinical testing. Allele origin: germline.
Comment: This sequence change replaces valine, which is neutral and non-polar, with isoleucine, which is neutral and non-polar, at codon 556 of the MAG protein (p.Val556Ile). The frequency data for this variant in the population databases is considered unreliable, as metrics indicate poor data quality at this position in the gnomAD database. This variant has not been reported in the literature in individuals affected with MAG-related conditions. ClinVar contains an entry for this variant (Variation ID: 808513). Invitae Evidence Modeling of protein sequence and biophysical properties (such as structural, functional, and spatial information, amino acid conservation, physicochemical variation, residue mobility, and thermodynamic stability) indicates that this missense variant is not expected to disrupt MAG protein function with a negative predictive value of 80%. In summary, the available evidence is currently insufficient to determine the role of this variant in disease. Therefore, it has been classified as a Variant of Uncertain Significance.

Illumina Laboratory Services, Illumina
Classification: Uncertain significance for Hereditary spastic paraplegia 75. Last evaluated: 2023-10-19. Review status: criteria provided, single submitter. Criteria: ISL SNV Classification Criteria 03 February 2026. Collection method: clinical testing. Allele origin: unknown.
Comment: The MAG c.1666G>A p.(Val556Ile) missense variant has not, to our knowledge, been reported in the peer-reviewed literature. The highest frequency of this allele in the Genome Aggregation Database is 0.000118 in the European (non-Finnish) population (version 3.1.2). Based on the available evidence, the c.1666G>A p.(Val556Ile) variant is classified as a variant of uncertain significance for hereditary spastic paraplegia.

CeGaT Center for Human Genetics Tuebingen
Classification: Uncertain significance. Last evaluated: 2019-02-01. Review status: criteria provided, single submitter. Criteria: CeGaT Center For Human Genetics Tuebingen Variant Classification Criteria Version 2. Collection method: clinical testing. Allele origin: germline. Affected: yes. Observed: 1 variant allele.